The following is an entry in ClinVar:

NM_020719.3(PRR12):c.2784G>C (p.Pro928=)

Gene: PRR12 (proline rich 12; plus strand). Cytogenetic location: 19q13.33.
Variant type: single nucleotide variant.
Coding change: c.2784G>C on transcript NM_020719.3 (MANE Select); coding-DNA position 2784, G replaced by C.
Protein change: p.Pro928=; no amino-acid change (proline 928 retained).
Molecular consequence: synonymous variant.
Genome position (GRCh38, 1-based): chr19:49,597,119, G>C. VCF-style: chr19-49597119-G-C. GRCh37 (hg19) VCF-style: chr19-50100376-G-C.
Identifiers: ClinVar variation 3905738 (VCV003905738.10).

ClinVar aggregate classification (germline): Likely benign (1 of 4 stars; one submission).

Submission:

CeGaT Center for Human Genetics Tuebingen
Classification: Likely benign. Last evaluated: 2025-05-01. Review status: criteria provided, single submitter. Criteria: CeGaT Center For Human Genetics Tuebingen Variant Classification Criteria Version 2. Collection method: clinical testing. Allele origin: germline. Affected: yes. Observed: 1 variant allele.
Comment: PRR12: PM2:Supporting, BP4, BP7